The following is an entry in ClinVar:

NM_021020.5(LZTS1):c.1517G>A (p.Arg506Gln)

Gene: LZTS1 (leucine zipper tumor suppressor 1; minus strand). Cytogenetic location: 8p21.3.
Variant type: single nucleotide variant.
Coding change: c.1517G>A on transcript NM_021020.5 (MANE Select); coding-DNA position 1517, G replaced by A.
Protein change: p.Arg506Gln; replaces arginine 506 with glutamine.
Molecular consequence: missense variant.
Genome position (GRCh38, 1-based): chr8:20,249,996, C>T on the plus strand (G>A on the coding strand, the complement: LZTS1 is on the minus strand). VCF-style: chr8-20249996-C-T. GRCh37 (hg19) VCF-style: chr8-20107507-C-T.
Other names: c.1517G>A, p.Arg506Gln (NM_001362884.2); c.1517G>A (NM_021020.2); short protein forms R506Q.
Identifiers: ClinVar variation 1450367 (VCV001450367.8), dbSNP rs151098429, ClinGen allele CA4657252.

ClinVar aggregate classification (germline): Uncertain significance. Review status: criteria provided, multiple submitters, no conflicts (2 of 4 stars). 2 submissions from 2 submitters: Uncertain significance (2). Last evaluated 2025-12-27.

Allele frequency attached by ClinVar (database versions not stated): gnomAD exomes 0.00006 and 0.00012; TOPMed 0.00007; gnomAD 0.00008; ExAC 0.00014.
gnomAD v4.1: 108 of 1,613,208 alleles (0.0067%); highest among the groups gnomAD compares: South Asian, 0.016%; no homozygotes.

Submissions (2):

Labcorp Genetics (formerly Invitae), Labcorp
Classification: Uncertain significance. Last evaluated: 2025-12-27. Review status: criteria provided, single submitter. Criteria: Invitae Variant Classification Sherloc (09022015). Collection method: clinical testing. Allele origin: germline.
Comment: This sequence change replaces arginine, which is basic and polar, with glutamine, which is neutral and polar, at codon 506 of the LZTS1 protein (p.Arg506Gln). This variant is present in population databases (rs151098429, gnomAD 0.03%), and has an allele count higher than expected for a pathogenic variant. This variant has not been reported in the literature in individuals affected with LZTS1-related conditions. ClinVar contains an entry for this variant (Variation ID: 1450367). Invitae Evidence Modeling of protein sequence and biophysical properties (such as structural, functional, and spatial information, amino acid conservation, physicochemical variation, residue mobility, and thermodynamic stability) indicates that this missense variant is not expected to disrupt LZTS1 protein function with a negative predictive value of 80%. In summary, the available evidence is currently insufficient to determine the role of this variant in disease. Therefore, it has been classified as a Variant of Uncertain Significance.

Ambry Genetics
Classification: Uncertain significance. Last evaluated: 2024-12-14. Review status: criteria provided, single submitter. Criteria: Ambry Variant Classification Scheme 2023. Collection method: clinical testing. Allele origin: germline.